The following is an entry in ClinVar:

ClinVar aggregate classification (germline): Uncertain significance (1 of 4 stars; one submission).

Conditions:
Intellectual developmental disorder, X-linked, syndromic 14. Also called: Syndromic X-linked intellectual disability 14. Identifiers: Orphanet 776, MedGen C1970822, MONDO:0010398, OMIM 300676.

Allele frequency attached by ClinVar (database versions not stated): ExAC 0.00001; gnomAD exomes 0.00001.
gnomAD v4.1: 14 of 1,211,336 alleles (0.0012%); highest among the groups gnomAD compares: Non-Finnish European, 0.0016%; no homozygotes.

Submission:

Labcorp Genetics (formerly Invitae), Labcorp
Classification: Uncertain significance for Intellectual developmental disorder, X-linked, syndromic 14. Last evaluated: 2025-04-28. Review status: criteria provided, single submitter. Criteria: Invitae Variant Classification Sherloc (09022015). Collection method: clinical testing. Allele origin: germline.
Comment: This sequence change replaces isoleucine, which is neutral and non-polar, with valine, which is neutral and non-polar, at codon 359 of the UPF3B protein (p.Ile359Val). This variant is present in population databases (rs766422375, gnomAD 0.001%). This variant has not been reported in the literature in individuals affected with UPF3B-related conditions. ClinVar contains an entry for this variant (Variation ID: 1981929). Invitae Evidence Modeling of protein sequence and biophysical properties (such as structural, functional, and spatial information, amino acid conservation, physicochemical variation, residue mobility, and thermodynamic stability) indicates that this missense variant is not expected to disrupt UPF3B protein function with a negative predictive value of 80%. In summary, the available evidence is currently insufficient to determine the role of this variant in disease. Therefore, it has been classified as a Variant of Uncertain Significance.

NM_080632.3(UPF3B):c.1075A>G (p.Ile359Val)

Gene: UPF3B (UPF3B regulator of nonsense mediated mRNA decay; minus strand). Cytogenetic location: Xq24.
Variant type: single nucleotide variant.
Coding change: c.1075A>G on transcript NM_080632.3 (MANE Select); coding-DNA position 1075, A replaced by G.
Protein change: p.Ile359Val; replaces isoleucine 359 with valine.
Molecular consequence: missense variant.
Genome position (GRCh38, 1-based): chrX:119,837,984, T>C on the plus strand (A>G on the coding strand, the complement: UPF3B is on the minus strand). VCF-style: chrX-119837984-T-C. GRCh37 (hg19) VCF-style: chrX-118971947-T-C.
Other names: c.1036A>G, p.Ile346Val (NM_023010.4); short protein forms I359V, I346V.
Identifiers: ClinVar variation 1981929 (VCV001981929.4), dbSNP rs766422375, ClinGen allele CA10503194.